The following is an entry in ClinVar:

NM_001184.4(ATR):c.6223T>A (p.Ser2075Thr)

Gene: ATR (ATR checkpoint kinase; minus strand). Cytogenetic location: 3q23.
Variant type: single nucleotide variant.
Coding change: c.6223T>A on transcript NM_001184.4 (MANE Select); coding-DNA position 6223, T replaced by A.
Protein change: p.Ser2075Thr; replaces serine 2075 with threonine.
Molecular consequence: missense variant.
Genome position (GRCh38, 1-based): chr3:142,470,182, A>T on the plus strand (T>A on the coding strand, the complement: ATR is on the minus strand). VCF-style: chr3-142470182-A-T. GRCh37 (hg19) VCF-style: chr3-142189024-A-T.
Other names: c.6031T>A, p.Ser2011Thr (NM_001354579.2); short protein forms S2075T, S2011T.
Identifiers: ClinVar variation 1752309 (VCV001752309.2), dbSNP rs2473074089, ClinGen allele CA354806150.

ClinVar aggregate classification (germline): Uncertain significance (1 of 4 stars; one submission).

Conditions:
Inborn genetic diseases. Identifiers: MedGen C0950123, MeSH D030342.

Submission:

Ambry Genetics
Classification: Uncertain significance for Inborn genetic diseases. Last evaluated: 2022-06-07. Review status: criteria provided, single submitter. Criteria: Ambry Variant Classification Scheme 2023. Collection method: clinical testing. Allele origin: germline.
Comment: The p.S2075T variant (also known as c.6223T>A), located in coding exon 37 of the ATR gene, results from a T to A substitution at nucleotide position 6223. The serine at codon 2075 is replaced by threonine, an amino acid with similar properties. This amino acid position is conserved. In addition, the in silico prediction for this alteration is inconclusive. Since supporting evidence is limited at this time, the clinical significance of this alteration remains unclear.